The following is an entry in ClinVar:

ClinVar aggregate classification (germline): Uncertain significance (1 of 4 stars; one submission).

Conditions:
Inborn genetic diseases. Identifiers: MedGen C0950123, MeSH D030342.

Submission:

Ambry Genetics
Classification: Uncertain significance for Inborn genetic diseases. Last evaluated: 2018-11-06. Review status: criteria provided, single submitter. Criteria: Ambry Variant Classification Scheme 2023. Collection method: clinical testing. Allele origin: germline.
Comment: The p.L220F variant (also known as c.658C>T), located in coding exon 6 of the GABRA1 gene, results from a C to T substitution at nucleotide position 658. The leucine at codon 220 is replaced by phenylalanine, an amino acid with highly similar properties. This amino acid position is highly conserved in available vertebrate species. In addition, this alteration is predicted to be deleterious by in silico analysis. Since supporting evidence is limited at this time, the clinical significance of this alteration remains unclear.

NM_001127644.2(GABRA1):c.658C>T (p.Leu220Phe)

Gene: GABRA1 (gamma-aminobutyric acid type A receptor subunit alpha1; plus strand). Cytogenetic location: 5q34.
Variant type: single nucleotide variant.
Coding change: c.658C>T on transcript NM_001127644.2 (MANE Select); coding-DNA position 658, C replaced by T.
Protein change: p.Leu220Phe; replaces leucine 220 with phenylalanine.
Molecular consequence: missense variant.
Genome position (GRCh38, 1-based): chr5:161,882,656, C>T. VCF-style: chr5-161882656-C-T. GRCh37 (hg19) VCF-style: chr5-161309662-C-T.
Other names: c.658C>T, p.Leu220Phe (NM_000806.5, NM_001127643.2, NM_001127645.2 and 1 more transcripts); short protein forms L220F.
Identifiers: ClinVar variation 1754345 (VCV001754345.2), dbSNP rs2532261928, ClinGen allele CA362179604.
Genomic context (GRCh38, chr5:161,882,656, plus strand): 5'-AGAGAGCCAGCACGCTCAGTGGTTGTAGCAGAAGATGGATCACGTCTAAACCAGTATGAC[C>T]TTCTTGGACAAACAGTAGACTCTGGAATTGTCCAGTCAAGTACAGGTAAGTACGATTTTG-3'
Protein context (NP_001121116.1, residues 210-230): EDGSRLNQYD[Leu220Phe]LGQTVDSGIV